The following is an entry in ClinVar:

ClinVar aggregate classification (germline): Conflicting classifications of pathogenicity. Review status: criteria provided, conflicting classifications (1 of 4 stars). 2 submissions from 2 submitters: Uncertain significance (1); Likely benign (1). Last evaluated 2025-03-15.

Conditions:
Inborn genetic diseases. Identifiers: MedGen C0950123, MeSH D030342.

gnomAD v4.1: 3 of 1,613,942 alleles (0.00019%); highest among the groups gnomAD compares: Admixed American, 0.0017%; no homozygotes.

Submissions (2):

Labcorp Genetics (formerly Invitae), Labcorp
Classification: Uncertain significance. Last evaluated: 2025-03-15. Review status: criteria provided, single submitter. Criteria: Invitae Variant Classification Sherloc (09022015). Collection method: clinical testing. Allele origin: germline.
Comment: This sequence change replaces threonine, which is neutral and polar, with asparagine, which is neutral and polar, at codon 1993 of the HIVEP2 protein (p.Thr1993Asn). This variant is not present in population databases (gnomAD no frequency). This variant has not been reported in the literature in individuals affected with HIVEP2-related conditions. Invitae Evidence Modeling of protein sequence and biophysical properties (such as structural, functional, and spatial information, amino acid conservation, physicochemical variation, residue mobility, and thermodynamic stability) indicates that this missense variant is not expected to disrupt HIVEP2 protein function with a negative predictive value of 80%. In summary, the available evidence is currently insufficient to determine the role of this variant in disease. Therefore, it has been classified as a Variant of Uncertain Significance.

Ambry Genetics
Classification: Likely benign for Inborn genetic diseases. Last evaluated: 2025-03-07. Review status: criteria provided, single submitter. Criteria: Ambry Variant Classification Scheme 2023. Collection method: clinical testing. Allele origin: germline.

NM_006734.4(HIVEP2):c.5978C>A (p.Thr1993Asn)

Gene: HIVEP2 (HIVEP zinc finger 2; minus strand). Cytogenetic location: 6q24.2.
Variant type: single nucleotide variant.
Coding change: c.5978C>A on transcript NM_006734.4 (MANE Select); coding-DNA position 5978, C replaced by A.
Protein change: p.Thr1993Asn; replaces threonine 1993 with asparagine.
Molecular consequence: missense variant.
Genome position (GRCh38, 1-based): chr6:142,760,310, G>T on the plus strand (C>A on the coding strand, the complement: HIVEP2 is on the minus strand). VCF-style: chr6-142760310-G-T. GRCh37 (hg19) VCF-style: chr6-143081447-G-T.
Other names: short protein forms T1993N.
Identifiers: ClinVar variation 3857985 (VCV003857985.2).